The following is an entry in ClinVar:

NM_001060.6(TBXA2R):c.838G>A (p.Gly280Arg)

Gene: TBXA2R (thromboxane A2 receptor; minus strand). Cytogenetic location: 19p13.3.
Variant type: single nucleotide variant.
Coding change: c.838G>A on transcript NM_001060.6 (MANE Select); coding-DNA position 838, G replaced by A.
Protein change: p.Gly280Arg; replaces glycine 280 with arginine.
Molecular consequence: missense variant.
Genome position (GRCh38, 1-based): chr19:3,595,882, C>T on the plus strand (G>A on the coding strand, the complement: TBXA2R is on the minus strand). VCF-style: chr19-3595882-C-T. GRCh37 (hg19) VCF-style: chr19-3595880-C-T.
Other names: c.838G>A, p.Gly280Arg (NM_201636.3); c.838G>A (NM_201636.2); short protein forms G280R.
Identifiers: ClinVar variation 2599189 (VCV002599189.4), dbSNP rs535656258, ClinGen allele CA9080761.

ClinVar aggregate classification (germline): Conflicting classifications of pathogenicity. Review status: criteria provided, conflicting classifications (1 of 4 stars). 3 submissions from 3 submitters: Uncertain significance (2); Likely benign (1). Last evaluated 2025-12-26.

Conditions:
TBXA2R-related disorder. Also called: TBXA2R-related condition.
Inborn genetic diseases. Identifiers: MedGen C0950123, MeSH D030342.

Allele frequency attached by ClinVar (database versions not stated): TOPMed 0.00002; gnomAD 0.00008; ExAC 0.00028; 1000 Genomes Project 30x 0.00094; 1000 Genomes Project 0.00120.

Submissions (3):

PreventionGenetics, part of Exact Sciences
Classification: Likely benign for TBXA2R-related condition. Last evaluated: 2025-12-26. Review status: criteria provided, single submitter. Criteria: ACMG Guidelines, 2015. Collection method: clinical testing. Allele origin: germline.
Comment: This variant is classified as likely benign based on ACMG/AMP sequence variant interpretation guidelines (Richards et al. 2015 PMID: 25741868, with internal and published modifications).

Labcorp Genetics (formerly Invitae), Labcorp
Classification: Uncertain significance. Last evaluated: 2025-11-13. Review status: criteria provided, single submitter. Criteria: Invitae Variant Classification Sherloc (09022015). Collection method: clinical testing. Allele origin: germline.
Comment: This sequence change replaces glycine, which is neutral and non-polar, with arginine, which is basic and polar, at codon 280 of the TBXA2R protein (p.Gly280Arg). This variant is present in population databases (rs535656258, gnomAD 0.1%), and has an allele count higher than expected for a pathogenic variant. This variant has not been reported in the literature in individuals affected with TBXA2R-related conditions. ClinVar contains an entry for this variant (Variation ID: 2599189). An algorithm developed to predict the effect of missense changes on protein structure and function (PolyPhen-2) suggests that this variant is likely to be disruptive. In summary, the available evidence is currently insufficient to determine the role of this variant in disease. Therefore, it has been classified as a Variant of Uncertain Significance.

Ambry Genetics
Classification: Uncertain significance for Inborn genetic diseases. Last evaluated: 2023-09-08. Review status: criteria provided, single submitter. Criteria: Ambry Variant Classification Scheme 2023. Collection method: clinical testing. Allele origin: germline.